The following is an entry in ClinVar:

ClinVar aggregate classification (germline): Uncertain significance (1 of 4 stars; one submission).

Conditions:
Hereditary cancer-predisposing syndrome. Also called: Neoplastic Syndromes, Hereditary; Tumor predisposition; Hereditary Cancer Syndrome; Hereditary neoplastic syndrome. Identifiers: Orphanet 140162, MedGen C0027672, MeSH D009386, MONDO:0015356.

Submission:

Ambry Genetics
Classification: Uncertain significance for Hereditary cancer-predisposing syndrome. Last evaluated: 2024-04-28. Review status: criteria provided, single submitter. Criteria: Ambry Variant Classification Scheme 2023. Collection method: clinical testing. Allele origin: germline.
Comment: The p.Q2729K variant (also known as c.8185C>A), located in coding exon 55 of the ATM gene, results from a C to A substitution at nucleotide position 8185. The glutamine at codon 2729 is replaced by lysine, an amino acid with similar properties. This amino acid position is conserved. In addition, this alteration is predicted to be deleterious by in silico analysis. Based on the available evidence, the clinical significance of this variant remains unclear.

NM_000051.4(ATM):c.8185C>A (p.Gln2729Lys)

Genes: ATM (ATM serine/threonine kinase; plus strand), C11orf65 (chromosome 11 open reading frame 65; minus strand). Cytogenetic location: 11q22.3.
Variant type: single nucleotide variant.
Coding change: c.8185C>A on transcript NM_000051.4 (MANE Select); coding-DNA position 8185, C replaced by A.
Protein change: p.Gln2729Lys; replaces glutamine 2729 with lysine.
Molecular consequence: missense variant. On other transcripts: intron variant (2).
Genome position (GRCh38, 1-based): chr11:108,335,878, C>A. VCF-style: chr11-108335878-C-A. GRCh37 (hg19) VCF-style: chr11-108206605-C-A.
Other names: c.8185C>A, p.Gln2729Lys (NM_001351834.2); c.641-26807G>T (NM_001330368.2); c.695-586G>T (NM_001351110.2); short protein forms Q2729K.
Identifiers: ClinVar variation 3325747 (VCV003325747.1).
Genomic context (GRCh38, chr11:108,335,878, plus strand): 5'-GTTTATTCATGCTTAATTATTCTGAAGGGCCGTGATGACCTGAGACAAGATGCTGTCATG[C>A]AACAGGTCTTCCAGATGTGTAATACATTACTGCAGAGAAACACGGAAACTAGGAAGAGGA-3'
Protein context (NP_000042.3, residues 2719-2739): RDDLRQDAVM[Gln2729Lys]QVFQMCNTLL